The following is an entry in ClinVar:

ClinVar aggregate classification (germline): Uncertain significance (1 of 4 stars; one submission).

Conditions:
Hereditary cancer-predisposing syndrome. Also called: Neoplastic Syndromes, Hereditary; Tumor predisposition; Hereditary Cancer Syndrome; Hereditary neoplastic syndrome. Identifiers: Orphanet 140162, MedGen C0027672, MeSH D009386, MONDO:0015356.

Submission:

Ambry Genetics
Classification: Uncertain significance for Hereditary cancer-predisposing syndrome. Last evaluated: 2025-09-17. Review status: criteria provided, single submitter. Criteria: Ambry Variant Classification Scheme 2023. Collection method: clinical testing. Allele origin: germline.
Comment: The p.N2346D variant (also known as c.7036A>G), located in coding exon 13 of the BRCA2 gene, results from an A to G substitution at nucleotide position 7036. The asparagine at codon 2346 is replaced by aspartic acid, an amino acid with highly similar properties. This amino acid position is conserved. In addition, this alteration is predicted to be tolerated by in silico analysis. Based on the available evidence, the clinical significance of this variant remains unclear.

NM_000059.4(BRCA2):c.7036A>G (p.Asn2346Asp)

Gene: BRCA2 (BRCA2 DNA repair associated; plus strand). Cytogenetic location: 13q13.1.
Variant type: single nucleotide variant.
Coding change: c.7036A>G on transcript NM_000059.4 (MANE Select); coding-DNA position 7036, A replaced by G.
Protein change: p.Asn2346Asp; replaces asparagine 2346 with aspartic acid.
Molecular consequence: missense variant. On other transcripts: non-coding transcript variant (1).
Genome position (GRCh38, 1-based): chr13:32,354,889, A>G. VCF-style: chr13-32354889-A-G. GRCh37 (hg19) VCF-style: chr13-32929026-A-G.
Other names: c.6940A>G, p.Asn2314Asp (NM_001406719.1); c.7036A>G, p.Asn2346Asp (NM_001406720.1, NM_001432077.1); c.2104A>G, p.Asn702Asp (NM_001406721.1); c.619A>G, p.Asn207Asp (NM_001406722.1); short protein forms N2346D, N207D, N2314D, N702D.
Identifiers: ClinVar variation 4626521 (VCV004626521.1).